The following is an entry in ClinVar:

NM_001267550.2(TTN):c.36265del (p.Val12089fs)

Gene: TTN (titin; minus strand). Cytogenetic location: 2q31.2.
Variant type: Deletion.
Coding change: c.36265del on transcript NM_001267550.2 (MANE Select); coding-DNA position 36265, one base deleted (G; older notation c.36265delG).
Protein change: p.Val12089fs; shifts the reading frame from valine 12089.
Molecular consequence: frameshift variant. On other transcripts: intron variant (5).
Genome position (GRCh38, 1-based): chr2:178,664,475, C deleted on the plus strand (G on the coding strand, the reverse complement: TTN is on the minus strand). VCF-style (leftmost placement, unchanged base first): chr2-178664474-AC-A. GRCh37 (hg19) VCF-style: chr2-179529201-AC-A.
Other names: c.13283-22158del (NM_003319.4); c.13859-22158del (NM_133437.4); c.13658-22158del (NM_133432.3); c.31484-1420del (NM_133378.4); c.34265-1420del (NM_001256850.1); short protein forms V12089fs.
Identifiers: ClinVar variation 1412280 (VCV001412280.8), dbSNP rs2154259826, ClinGen allele CA2573133812.
Genomic context (GRCh38, chr2:178,664,474, plus strand): 5'-TCGCCCCACCCACTATCCCACCATAAAAAGACAGTTAAGAATGTACCTTTGACAGGTACA[AC>A]TTCAGCCCTTTGGGGAGGATGCACTTTCTTTTCCGGGACAACTTCTCTGAGAGCCTCCGG-3'

ClinVar aggregate classification (germline): Conflicting classifications of pathogenicity. Review status: criteria provided, conflicting classifications (1 of 4 stars). 2 submissions from 2 submitters: Likely pathogenic (1); Uncertain significance (1). Last evaluated 2024-10-17.

Conditions:
Autosomal recessive limb-girdle muscular dystrophy type 2J (LGMDR10). Also called: MUSCULAR DYSTROPHY, LIMB-GIRDLE, AUTOSOMAL RECESSIVE 10; Limb-girdle muscular dystrophy, type 2J. Identifiers: Orphanet 140922, MedGen C1837342, MONDO:0012127, OMIM 608807.
Dilated cardiomyopathy 1G (CMD1G). Identifiers: Orphanet 154, MedGen C1858763, MONDO:0011400, OMIM 604145.

Submissions (2):

Labcorp Genetics (formerly Invitae), Labcorp
Classification: Likely pathogenic for Dilated cardiomyopathy 1G; Autosomal recessive limb-girdle muscular dystrophy type 2J. Last evaluated: 2024-10-17. Review status: criteria provided, single submitter. Criteria: Invitae Variant Classification Sherloc (09022015). Collection method: clinical testing. Allele origin: germline.
Comment: This sequence change creates a premature translational stop signal (p.Val12089Leufs*69) in the TTN gene. While this is not anticipated to result in nonsense mediated decay, it is expected to create a truncated TTN protein. This variant is not present in population databases (gnomAD no frequency). This premature translational stop signal has been observed in individual(s) with clinical features of autosomal recessive TTN-related conditions (internal data). ClinVar contains an entry for this variant (Variation ID: 1412280). This variant is located in the I band of TTN (PMID: 25589632). Truncating variants in this region have been reported in individuals affected with autosomal recessive centronuclear myopathy (PMID: 23975875, internal data). Truncating variants in this region have also been identified in individuals affected with autosomal dominant dilated cardiomyopathy and/or cardio-related conditions (PMID: 27869827, 32964742, internal data). In summary, the currently available evidence indicates that the variant is pathogenic, but additional data are needed to prove that conclusively. Therefore, this variant has been classified as Likely Pathogenic.

Revvity Omics, Revvity
Classification: Uncertain significance. Last evaluated: 2022-05-25. Review status: criteria provided, single submitter. Criteria: ACMG Guidelines, 2015. Collection method: clinical testing. Allele origin: germline.

Literature cited by the submitters: PubMed 25589632 (cited by Labcorp Genetics (formerly Invitae), Labcorp); PubMed 23975875 (cited by Labcorp Genetics (formerly Invitae), Labcorp); PubMed 27869827 (cited by Labcorp Genetics (formerly Invitae), Labcorp); PubMed 32964742 (cited by Labcorp Genetics (formerly Invitae), Labcorp).